The following is an entry in ClinVar:

NM_025074.7(FRAS1):c.11893A>G (p.Asn3965Asp)

Gene: FRAS1 (Fraser extracellular matrix complex subunit 1; plus strand). Cytogenetic location: 4q21.21.
Variant type: single nucleotide variant.
Coding change: c.11893A>G on transcript NM_025074.7 (MANE Select); coding-DNA position 11893, A replaced by G.
Protein change: p.Asn3965Asp; replaces asparagine 3965 with aspartic acid.
Molecular consequence: missense variant.
Genome position (GRCh38, 1-based): chr4:78,540,978, A>G. VCF-style: chr4-78540978-A-G. GRCh37 (hg19) VCF-style: chr4-79462132-A-G.
Other names: c.11893A>G (NM_025074.6); short protein forms N3965D.
Identifiers: ClinVar variation 2073875 (VCV002073875.3), dbSNP rs571111012, ClinGen allele CA2979323.
Genomic context (GRCh38, chr4:78,540,978, plus strand): 5'-GAATATCCTCTGAATACCAAGGTAGAAGTGCCCAAGAGGCACCCGGACCGGGTGGAGAAG[A>G]ACGTGAATAGACACTACTGCACTGTGCGGAACGTCAACATCCTGAGTGAGCCTGAGGCGG-3'
Protein context (NP_079350.5, residues 3955-3975): PKRHPDRVEK[Asn3965Asp]VNRHYCTVRN

ClinVar aggregate classification (germline): Conflicting classifications of pathogenicity. Review status: criteria provided, conflicting classifications (1 of 4 stars). 3 submissions from 3 submitters: Uncertain significance (2); Likely benign (1). Last evaluated 2026-04-29.

Conditions:
FRAS1-related disorder. Also called: FRAS1-related condition.
Fraser syndrome 1 (FRASRS1). Also called: CRYPTOPHTHALMOS WITH OTHER MALFORMATIONS. Identifiers: Orphanet 2052, MedGen C4551480, MONDO:0054737, OMIM 219000.

Allele frequency attached by ClinVar (database versions not stated): gnomAD 0.00003; TOPMed 0.00003; gnomAD exomes 0.00005; ExAC 0.00013; 1000 Genomes Project 30x 0.00016; 1000 Genomes Project 0.00020.
gnomAD v4.1: 73 of 1,613,418 alleles (0.0045%); highest among the groups gnomAD compares: East Asian, 0.16%; no homozygotes.

Submissions (3):

PreventionGenetics, part of Exact Sciences
Classification: Likely benign for FRAS1-related condition. Last evaluated: 2026-04-29. Review status: criteria provided, single submitter. Criteria: ACMG Guidelines, 2015. Collection method: clinical testing. Allele origin: germline.
Comment: This variant is classified as likely benign based on ACMG/AMP sequence variant interpretation guidelines (Richards et al. 2015 PMID: 25741868, with internal and published modifications).

Fulgent Genetics
Classification: Uncertain significance for Fraser syndrome 1. Last evaluated: 2024-06-10. Review status: criteria provided, single submitter. Criteria: ACMG Guidelines, 2015. Collection method: clinical testing. Allele origin: germline.

Labcorp Genetics (formerly Invitae), Labcorp
Classification: Uncertain significance. Last evaluated: 2022-01-27. Review status: criteria provided, single submitter. Criteria: Invitae Variant Classification Sherloc (09022015). Collection method: clinical testing. Allele origin: germline.
Comment: This sequence change replaces asparagine, which is neutral and polar, with aspartic acid, which is acidic and polar, at codon 3965 of the FRAS1 protein (p.Asn3965Asp). This variant is present in population databases (rs571111012, gnomAD 0.2%). This variant has not been reported in the literature in individuals affected with FRAS1-related conditions. Algorithms developed to predict the effect of missense changes on protein structure and function (SIFT, PolyPhen-2, Align-GVGD) all suggest that this variant is likely to be tolerated. In summary, the available evidence is currently insufficient to determine the role of this variant in disease. Therefore, it has been classified as a Variant of Uncertain Significance.